The following is an entry in ClinVar:

NM_000038.6(APC):c.1958+10G>T

Gene: APC (APC regulator of Wnt signaling pathway; plus strand). Cytogenetic location: 5q22.2.
Variant type: single nucleotide variant.
Coding change: c.1958+10G>T on transcript NM_000038.6 (MANE Select); 10 bases into the intron after coding-DNA position 1958, G replaced by T.
Molecular consequence: intron variant.
Genome position (GRCh38, 1-based): chr5:112,835,175, G>T. VCF-style: chr5-112835175-G-T. GRCh37 (hg19) VCF-style: chr5-112170872-G-T.
Other names: p.?; c.1958+10G>T (NM_001354895.2, NM_001127510.3); c.1988+10G>T (NM_001354897.2); c.1685+10G>T (NM_001354902.2); c.1904+10G>T (NM_001127511.3); c.1883+10G>T (NM_001354898.2); c.1580+10G>T (NM_001354904.2); c.1109+10G>T (NM_001354906.2); and 6 more.
Identifiers: ClinVar variation 350410 (VCV000350410.31), dbSNP rs375175370, ClinGen allele CA029989.
Genomic context (GRCh38, chr5:112,835,175, plus strand): 5'-TGGGATATTACGGAATGTGTCCAGCTTGATAGCTACAAATGAGGACCACAGGTATATATA[G>T]AGTTTTATATTACTTTTAAAGTACAGAATTCATACTCTCAAAAAGACCTAATTGTAAGCA-3'

ClinVar aggregate classification (germline): Benign/Likely benign. Review status: criteria provided, multiple submitters, no conflicts (2 of 4 stars). 11 submissions from 11 submitters: Benign (5); Likely benign (4). 2 of the submissions do not count toward it. Last evaluated 2026-01-26.

Conditions:
Hereditary cancer-predisposing syndrome. Also called: Tumor predisposition; Neoplastic Syndromes, Hereditary; Hereditary Cancer Syndrome; Hereditary neoplastic syndrome. Identifiers: Orphanet 140162, MedGen C0027672, MeSH D009386, MONDO:0015356.
Familial adenomatous polyposis 1 (FAP1). Also called: FAMILIAL ADENOMATOUS POLYPOSIS 1, ATTENUATED; POLYPOSIS, ADENOMATOUS INTESTINAL. Identifiers: MedGen C2713442, MONDO:0021056, OMIM 175100. Disease mechanism: loss of function.
APC-Associated Polyposis Disorders.
APC-related disorder. Also called: APC-related condition.

Allele frequency attached by ClinVar (database versions not stated): TOPMed 0.00005; ESP Exome Variant Server 0.00008; gnomAD 0.00009; gnomAD exomes 0.00018 and 0.00043; ExAC 0.00098.
gnomAD v4.1: 281 of 1,602,012 alleles (0.018%); highest among the groups gnomAD compares: Non-Finnish European, 0.019%; no homozygotes.

Submissions (11):

Labcorp Genetics (formerly Invitae), Labcorp
Classification: Benign for Familial adenomatous polyposis 1. Last evaluated: 2026-01-26. Review status: criteria provided, single submitter. Criteria: Invitae Variant Classification Sherloc (09022015). Collection method: clinical testing. Allele origin: germline.

Center for Genomic Medicine, Rigshospitalet, Copenhagen University Hospital
Classification: Likely benign. Last evaluated: 2025-03-04. Review status: criteria provided, single submitter. Criteria: ACMG Guidelines, 2015. Collection method: clinical testing. Allele origin: germline.

Mayo Clinic Laboratories, Mayo Clinic
Classification: Likely benign. Last evaluated: 2025-02-07. Review status: criteria provided, single submitter. Criteria: ACMG Guidelines, 2015. Collection method: clinical testing. Allele origin: germline. Observed: 1 variant allele.
Comment: BS1, BP7

Myriad Genetics, Inc.
Classification: Benign for Familial adenomatous polyposis 1. Last evaluated: 2025-02-04. Review status: criteria provided, single submitter. Criteria: Myriad Autosomal Dominant, Autosomal Recessive and X-Linked Classification Criteria (2023). Collection method: clinical testing. Allele origin: unknown.
Comment: This variant is considered benign. This variant is intronic and is not expected to impact mRNA splicing. This variant has been observed at a population frequency that is significantly greater than expected given the associated disease prevalence and penetrance.

Blueprint Genetics
Classification: Likely benign. Last evaluated: 2024-09-12. Review status: criteria provided, single submitter. Criteria: ACMG Guidelines, 2015. Collection method: clinical testing. Allele origin: germline.

Women's Health and Genetics/Laboratory Corporation of America, LabCorp
Classification: Benign. Last evaluated: 2019-08-16. Review status: criteria provided, single submitter. Criteria: LabCorp Variant Classification Summary - May 2015. Collection method: clinical testing. Allele origin: germline.
Comment: Variant summary: APC c.1958+10G>T alters a nucleotide located close to a canonical splice site and therefore could affect mRNA splicing, leading to a significantly altered protein sequence. 5/5 computational tools predict no significant impact on normal splicing. However, these predictions have yet to be confirmed by functional studies. The variant allele was found at a frequency of 0.00043 in 239856 control chromosomes in the gnomAD database, including 1 homozygotes. The observed variant frequency is approximately 5.95 fold of the estimated maximal expected allele frequency for a pathogenic variant in APC causing Familial Adenomatous Polyposis phenotype (7.1e-05), strongly suggesting that the variant is benign. To our knowledge, no occurrence of c.1958+10G>T in individuals affected with Familial Adenomatous Polyposis and no experimental evidence demonstrating its impact on protein function have been reported. Five clinical diagnostic laboratories have submitted clinical-significance assessments for this variant to ClinVar after 2014 without evidence for independent evaluation. All laboratories classified the variant as benign/likely benign. Based on the evidence outlined above, the variant was classified as benign.

Illumina Laboratory Services, Illumina
Classification: Likely benign for APC-Associated Polyposis Disorders. Last evaluated: 2017-04-28. Review status: criteria provided, single submitter. Criteria: ICSL Variant Classification Criteria 13 December 2019. Collection method: clinical testing. Allele origin: germline.
Comment: This variant was observed as part of a predisposition screen in an ostensibly healthy population. A literature search was performed for the gene, cDNA change, and amino acid change (where applicable). No publications were found based on this search. Allele frequency data from public databases allowed determination this variant is unlikely to cause disease. Therefore, this variant is classified as likely benign.

Color Diagnostics, LLC DBA Color Health
Classification: Benign for Hereditary cancer-predisposing syndrome. Last evaluated: 2016-06-22. Review status: criteria provided, single submitter. Criteria: ACMG Guidelines, 2015. Collection method: clinical testing. Allele origin: germline.

GeneDx
Classification: Benign. Last evaluated: 2015-07-16. Review status: criteria provided, single submitter. Criteria: GeneDx Variant Classification (06012015). Collection method: clinical testing. Allele origin: germline. Affected: yes.
Comment: This variant is considered likely benign or benign based on one or more of the following criteria: it is a conservative change, it occurs at a poorly conserved position in the protein, it is predicted to be benign by multiple in silico algorithms, and/or has population frequency not consistent with disease.

PreventionGenetics, part of Exact Sciences
Classification: Likely benign for APC-related condition. Last evaluated: 2019-09-09. Review status: no assertion criteria provided. Collection method: clinical testing. Allele origin: germline. Not counted in ClinVar's aggregate classification.
Comment: This variant is classified as likely benign based on ACMG/AMP sequence variant interpretation guidelines (Richards et al. 2015 PMID: 25741868, with internal and published modifications).

Counsyl
Classification: Likely benign for Familial adenomatous polyposis 1. Last evaluated: 2017-12-22. Review status: no assertion criteria provided. Collection method: clinical testing. Allele origin: unknown. Not counted in ClinVar's aggregate classification.